The following is an entry in ClinVar:

NM_000551.4(VHL):c.-70G>A

Gene: VHL (von Hippel-Lindau tumor suppressor; plus strand). Cytogenetic location: 3p25.3.
Variant type: single nucleotide variant.
Coding change: c.-70G>A on transcript NM_000551.4 (MANE Select); 70 bases upstream of the start codon, G replaced by A.
Molecular consequence: 5 prime UTR variant. On other transcripts: non-coding transcript variant (1).
Genome position (GRCh38, 1-based): chr3:10,141,778, G>A. VCF-style: chr3-10141778-G-A. GRCh37 (hg19) VCF-style: chr3-10183462-G-A.
Other names: c.-70G>A (NM_001354723.2, NM_198156.3).
Identifiers: ClinVar variation 3073063 (VCV003073063.1), dbSNP rs2470156561, ClinGen allele CA2577505221.

ClinVar aggregate classification (germline): Likely benign (1 of 4 stars; one submission).

Conditions:
Von Hippel-Lindau syndrome (VHLS). Also called: Von Hippel-Lindau; von Hippel–Lindau syndrome; VHL syndrome. Identifiers: Orphanet 892, MedGen C0019562, MONDO:0008667, OMIM 193300. Disease mechanism: loss of function.

Submission:

All of Us Research Program, National Institutes of Health
Classification: Likely benign for Von Hippel-Lindau syndrome. Last evaluated: 2023-08-23. Review status: criteria provided, single submitter. Criteria: ACMG Guidelines, 2015. Collection method: clinical testing. Allele origin: germline. Inheritance: Autosomal dominant inheritance. Observed: 1 variant allele, 1 heterozygote.
Comment: This study involves interpretation of variants in research participants for the purpose of population health screening. Participant phenotype was not available at the time of variant classification. Additional details can be found in publication PMID: 35346344, PMCID: PMC8962531